The following is an entry in ClinVar:

ClinVar aggregate classification (germline): Likely pathogenic (1 of 4 stars; one submission).

Allele frequency attached by ClinVar (database versions not stated): gnomAD 0.00001; gnomAD exomes 0.00004.
gnomAD v4.1: 61 of 1,551,128 alleles (0.0039%); highest among the groups gnomAD compares: Non-Finnish European, 0.0052%; no homozygotes.

Submission:

Labcorp Genetics (formerly Invitae), Labcorp
Classification: Likely pathogenic. Last evaluated: 2026-01-05. Review status: criteria provided, single submitter. Criteria: Invitae Variant Classification Sherloc (09022015). Collection method: clinical testing. Allele origin: germline.
Comment: This sequence change replaces cysteine, which is neutral and slightly polar, with serine, which is neutral and polar, at codon 2130 of the EYS protein (p.Cys2130Ser). This variant is present in population databases (no rsID available, gnomAD 0.002%). This missense change has been observed in individual(s) with retinitis pigmentosa (PMID: 32728228; internal data). In at least one individual the data is consistent with being in trans (on the opposite chromosome) from a pathogenic variant. ClinVar contains an entry for this variant (Variation ID: 2166043). Invitae Evidence Modeling of protein sequence and biophysical properties (such as structural, functional, and spatial information, amino acid conservation, physicochemical variation, residue mobility, and thermodynamic stability) has been performed for this missense variant. However, the output from this modeling did not meet the statistical confidence thresholds required to predict the impact of this variant on EYS protein function. In summary, the currently available evidence indicates that the variant is pathogenic, but additional data are needed to prove that conclusively. Therefore, this variant has been classified as Likely Pathogenic.

Literature cited by the submitters: PubMed 32728228.

NM_001142800.2(EYS):c.6389G>C (p.Cys2130Ser)

Gene: EYS (EGF-like photoreceptor maintenance factor; minus strand). Cytogenetic location: 6q12.
Variant type: single nucleotide variant.
Coding change: c.6389G>C on transcript NM_001142800.2 (MANE Select); coding-DNA position 6389, G replaced by C.
Protein change: p.Cys2130Ser; replaces cysteine 2130 with serine.
Molecular consequence: missense variant.
Genome position (GRCh38, 1-based): chr6:64,230,627, C>G on the plus strand (G>C on the coding strand, the complement: EYS is on the minus strand). VCF-style: chr6-64230627-C-G. GRCh37 (hg19) VCF-style: chr6-64940520-C-G.
Other names: c.6389G>C, p.Cys2130Ser (NM_001292009.2); short protein forms C2130S.
Identifiers: ClinVar variation 2166043 (VCV002166043.4), dbSNP rs895132829, ClinGen allele CA140296091.